The following is an entry in ClinVar:

ClinVar aggregate classification (germline): Benign/Likely benign. Review status: criteria provided, multiple submitters, no conflicts (2 of 4 stars). 2 submissions from 2 submitters: Benign (1); Likely benign (1). Last evaluated 2025-01-30.

Conditions:
Lynch syndrome 4 (LYNCH4). Also called: Hereditary non-polyposis colorectal cancer, type 4; Colorectal cancer, hereditary nonpolyposis, type 4. Identifiers: Orphanet 144, MedGen C1838333, MONDO:0013699, OMIM 614337. Disease mechanism: loss of function.
Hereditary nonpolyposis colorectal neoplasms. Identifiers: MedGen C0009405, MeSH D003123.

Allele frequency attached by ClinVar (database versions not stated): gnomAD exomes below 0.00001.
gnomAD v4.1: 2 of 1,614,006 alleles (0.00012%); highest among the groups gnomAD compares: Non-Finnish European, 0.00017%; no homozygotes.

Submissions (2):

Myriad Genetics, Inc.
Classification: Benign for Lynch syndrome 4. Last evaluated: 2025-01-30. Review status: criteria provided, single submitter. Criteria: Myriad Autosomal Dominant, Autosomal Recessive and X-Linked Classification Criteria (2023). Collection method: clinical testing. Allele origin: unknown.
Comment: This variant is considered benign. This variant is a silent/synonymous amino acid change and it is not expected to impact splicing.

Labcorp Genetics (formerly Invitae), Labcorp
Classification: Likely benign for Hereditary nonpolyposis colorectal neoplasms. Last evaluated: 2018-09-26. Review status: criteria provided, single submitter. Criteria: Invitae Variant Classification Sherloc (09022015). Collection method: clinical testing. Allele origin: germline.

NM_000535.7(PMS2):c.1218A>G (p.Leu406=)

Gene: PMS2 (PMS1 homolog 2, mismatch repair system component; minus strand). Cytogenetic location: 7p22.1.
Variant type: single nucleotide variant.
Coding change: c.1218A>G on transcript NM_000535.7 (MANE Select); coding-DNA position 1218, A replaced by G.
Protein change: p.Leu406=; no amino-acid change (leucine 406 retained).
Molecular consequence: synonymous variant. On other transcripts: non-coding transcript variant (1).
Genome position (GRCh38, 1-based): chr7:5,987,547, T>C on the plus strand (A>G on the coding strand, the complement: PMS2 is on the minus strand). VCF-style: chr7-5987547-T-C. GRCh37 (hg19) VCF-style: chr7-6027178-T-C.
Other names: c.813A>G, p.Leu271= (NM_001322003.2, NM_001322004.2, NM_001322005.2 and 1 more transcripts); c.1062A>G, p.Leu354= (NM_001322006.2); c.900A>G, p.Leu300= (NM_001322007.2, NM_001322008.2); c.657A>G, p.Leu219= (NM_001322010.2); c.285A>G, p.Leu95= (NM_001322011.2, NM_001322012.2); c.645A>G, p.Leu215= (NM_001322013.2); c.1218A>G, p.Leu406= (NM_001322014.2); c.909A>G, p.Leu303= (NM_001322015.2).
Identifiers: ClinVar variation 754742 (VCV000754742.10), dbSNP rs1583323141, ClinGen allele CA453748514.